The following is an entry in ClinVar:

NM_138459.5(NUS1):c.698A>G (p.Asn233Ser)

Gene: NUS1 (NUS1 dehydrodolichyl diphosphate synthase subunit; plus strand). Cytogenetic location: 6q22.1.
Variant type: single nucleotide variant.
Coding change: c.698A>G on transcript NM_138459.5 (MANE Select); coding-DNA position 698, A replaced by G.
Protein change: p.Asn233Ser; replaces asparagine 233 with serine.
Molecular consequence: missense variant.
Genome position (GRCh38, 1-based): chr6:117,703,611, A>G. VCF-style: chr6-117703611-A-G. GRCh37 (hg19) VCF-style: chr6-118024774-A-G.
Other names: short protein forms N233S.
Identifiers: ClinVar variation 1435059 (VCV001435059.8), dbSNP rs1198292880, ClinGen allele CA365537260.

ClinVar aggregate classification (germline): Uncertain significance (1 of 4 stars; one submission).

Conditions:
Congenital disorder of glycosylation, type Iaa. Also called: Congenital disorder of glycosylation, type 1aa. Identifiers: MedGen C4310727, MONDO:0014904, OMIM 617082.

Allele frequency attached by ClinVar (database versions not stated): gnomAD 0.00001; TOPMed below 0.00001.
gnomAD v4.1: 1 of 1,611,508 alleles (0.000062%); highest among the groups gnomAD compares: Non-Finnish European, 0.000085%; no homozygotes.

Submission:

Labcorp Genetics (formerly Invitae), Labcorp
Classification: Uncertain significance for Congenital disorder of glycosylation, type Iaa. Last evaluated: 2021-02-14. Review status: criteria provided, single submitter. Criteria: Invitae Variant Classification Sherloc (09022015). Collection method: clinical testing. Allele origin: germline.
Comment: This sequence change replaces asparagine with serine at codon 233 of the NUS1 protein (p.Asn233Ser). The asparagine residue is weakly conserved and there is a small physicochemical difference between asparagine and serine. This variant is not present in population databases (ExAC no frequency). This variant has not been reported in the literature in individuals with NUS1-related conditions. Algorithms developed to predict the effect of missense changes on protein structure and function output the following: SIFT: "Tolerated"; PolyPhen-2: "Benign"; Align-GVGD: "Class C0". The serine amino acid residue is found in multiple mammalian species, suggesting that this missense change does not adversely affect protein function. These predictions have not been confirmed by published functional studies and their clinical significance is uncertain. In summary, the available evidence is currently insufficient to determine the role of this variant in disease. Therefore, it has been classified as a Variant of Uncertain Significance.